The following is an entry in ClinVar:

ClinVar aggregate classification (germline): Uncertain significance (1 of 4 stars; one submission).

gnomAD v4.1: 1 of 1,583,580 alleles (0.000063%); highest among the groups gnomAD compares: Admixed American, 0.0017%; no homozygotes.

Submission:

Women's Health and Genetics/Laboratory Corporation of America, LabCorp
Classification: Uncertain significance. Last evaluated: 2025-12-24. Review status: criteria provided, single submitter. Criteria: LabCorp Variant Classification Summary - May 2015. Collection method: clinical testing. Allele origin: germline.
Comment: Variant summary: DVL1 c.1397A>C (p.Glu466Ala) results in a non-conservative amino acid change located in the DEP domain (IPR000591) of the encoded protein sequence. Algorithms developed to predict the effect of missense changes on protein structure and function are either unavailable or do not agree on the potential impact of this missense change. The variant allele was found at a frequency of 4e-06 in 250318 control chromosomes. The available data on variant occurrences in the general population are insufficient to allow any conclusion about variant significance. To our knowledge, no occurrence of c.1397A>C in individuals affected with DVL1-related conditions and no experimental evidence demonstrating its impact on protein function have been reported. No submitters have cited clinical-significance assessments for this variant to ClinVar. Based on the evidence outlined above, the variant was classified as uncertain significance.

NM_001330311.2(DVL1):c.1472A>C (p.Glu491Ala)

Gene: DVL1 (dishevelled segment polarity protein 1; minus strand). Cytogenetic location: 1p36.33.
Variant type: single nucleotide variant.
Coding change: c.1472A>C on transcript NM_001330311.2 (MANE Select); coding-DNA position 1472, A replaced by C.
Protein change: p.Glu491Ala; replaces glutamic acid 491 with alanine.
Molecular consequence: missense variant.
Genome position (GRCh38, 1-based): chr1:1,338,304, T>G on the plus strand (A>C on the coding strand, the complement: DVL1 is on the minus strand). VCF-style: chr1-1338304-T-G. GRCh37 (hg19) VCF-style: chr1-1273684-T-G.
Other names: c.1397A>C, p.Glu466Ala (NM_004421.3); short protein forms E466A, E491A.
Identifiers: ClinVar variation 4688850 (VCV004688850.1).